The following is an entry in ClinVar:

ClinVar aggregate classification (germline): Pathogenic. Review status: criteria provided, multiple submitters, no conflicts (2 of 4 stars). 2 submissions from 2 submitters: Pathogenic (2). Last evaluated 2025-07-14.

Conditions:
Coffin-Siris syndrome 1 (CSS1). Also called: ARID1B-Related Coffin-Siris Syndrome; Mental retardation, autosomal dominant 12. Identifiers: Orphanet 1465, MedGen C3281201, MONDO:0007617, OMIM 135900. Disease mechanism: gain of function.

Submissions (2):

3billion
Classification: Pathogenic for Coffin-Siris syndrome 1. Last evaluated: 2025-07-14. Review status: criteria provided, single submitter. Criteria: ACMG Guidelines, 2015. Collection method: clinical testing. Allele origin: germline. Affected: yes.
Comment: The variant is not observed in the gnomAD v4.1.0 dataset. Predicted Consequence/Location: Stop-gained (nonsense): predicted to result in a loss or disruption of normal protein function through nonsense-mediated decay (NMD) or protein truncation. Multiple pathogenic variants are reported downstream of the variant. The variant has been reported to be associated with ARID1B-related disorder (ClinVar ID: VCV000620220 /PMID: 34906459). Therefore, this variant is classified as Pathogenic according to the recommendation of ACMG/AMP guideline.

GeneDx
Classification: Pathogenic. Last evaluated: 2018-06-05. Review status: criteria provided, single submitter. Criteria: GeneDx Variant Classification (06012015). Collection method: clinical testing. Allele origin: germline. Affected: yes.
Comment: The W1122X variant in the ARID1B gene has not been reported previously as a pathogenic variant nor as a benign variant, to our knowledge. This variant is predicted to cause loss of normal protein function either through protein truncation or nonsense-mediated mRNA decay. The W1122X variant is not observed in large population cohorts (Lek et al., 2016). We interpret W1122X as a pathogenic variant.

Literature cited by the submitters: PubMed 34906459 (cited by 3billion).

NM_001374828.1(ARID1B):c.3734G>A (p.Trp1245Ter)

Gene: ARID1B (AT-rich interaction domain 1B; plus strand). Cytogenetic location: 6q25.3.
Variant type: single nucleotide variant.
Coding change: c.3734G>A on transcript NM_001374828.1 (MANE Select); coding-DNA position 3734, G replaced by A.
Protein change: p.Trp1245Ter; replaces tryptophan 1245 with a stop codon.
Molecular consequence: nonsense.
Genome position (GRCh38, 1-based): chr6:157,184,250, G>A. VCF-style: chr6-157184250-G-A. GRCh37 (hg19) VCF-style: chr6-157505384-G-A.
Other names: c.3365G>A, p.Trp1122Ter (NM_020732.3); c.1235G>A, p.Trp412Ter (NM_001363725.2); c.3614G>A, p.Trp1205Ter (NM_001371656.1, NM_001374820.1); c.3575G>A, p.Trp1192Ter (NM_017519.3); short protein forms W1122*, W412*, W1192*, W1205*, W1245*.
Identifiers: ClinVar variation 620220 (VCV000620220.2), dbSNP rs1554231803, ClinGen allele CA366229997.